The following is an entry in ClinVar:

NM_018838.5(NDUFA12):c.-15G>T

Gene: NDUFA12 (NADH:ubiquinone oxidoreductase subunit A12; minus strand). Cytogenetic location: 12q22.
Variant type: single nucleotide variant.
Coding change: c.-15G>T on transcript NM_018838.5 (MANE Select); 15 bases upstream of the start codon, G replaced by T.
Molecular consequence: 5 prime UTR variant.
Genome position (GRCh38, 1-based): chr12:95,003,695, C>A on the plus strand (G>T on the coding strand, the complement: NDUFA12 is on the minus strand). VCF-style: chr12-95003695-C-A. GRCh37 (hg19) VCF-style: chr12-95397471-C-A.
Other names: c.-15G>T (NM_001258338.2).
Identifiers: ClinVar variation 509468 (VCV000509468.1), dbSNP rs370952116, ClinGen allele CA6722676.
Genomic context (GRCh38, chr12:95,003,695, plus strand): 5'-CGGTGATCTGCTGCAGCCCGCGTTTCAGGACCTGCACTAACTCCATCTTGCCTCGCTGGC[C>A]CCGCCTCCCGGGTGCGCCGAGCAAAACCCACCGGATGGAAGCTGCCACTCAGCCGCAGGA-3'

ClinVar aggregate classification (germline): Likely benign (1 of 4 stars; one submission).

Allele frequency attached by ClinVar (database versions not stated): gnomAD 0.00001; gnomAD exomes 0.00002 and 0.00003; TOPMed 0.00002; ExAC 0.00004; ESP Exome Variant Server 0.00008.
gnomAD v4.1: 35 of 1,613,832 alleles (0.0022%); highest among the groups gnomAD compares: Middle Eastern, 0.016%; no homozygotes.

Submission:

GeneDx
Classification: Likely benign. Last evaluated: 2017-05-22. Review status: criteria provided, single submitter. Criteria: GeneDx Variant Classification (06012015). Collection method: clinical testing. Allele origin: germline. Affected: yes.
Comment: This variant is considered likely benign or benign based on one or more of the following criteria: it is a conservative change, it occurs at a poorly conserved position in the protein, it is predicted to be benign by multiple in silico algorithms, and/or has population frequency not consistent with disease.